The following is an entry in ClinVar:

ClinVar aggregate classification (germline): Uncertain significance (1 of 4 stars; one submission).

Conditions:
Atrial fibrillation, familial, 6 (ATFB6). Identifiers: MedGen C2677294, MONDO:0012816, OMIM 612201.

Allele frequency attached by ClinVar (database versions not stated): ESP Exome Variant Server 0.00008.

Submission:

Labcorp Genetics (formerly Invitae), Labcorp
Classification: Uncertain significance for Atrial fibrillation, familial, 6. Last evaluated: 2025-12-08. Review status: criteria provided, single submitter. Criteria: Invitae Variant Classification Sherloc (09022015). Collection method: clinical testing. Allele origin: germline.
Comment: This sequence change replaces arginine, which is basic and polar, with proline, which is neutral and non-polar, at codon 107 of the NPPA protein (p.Arg107Pro). This variant is present in population databases (rs369737600, gnomAD 0.0009%). This variant has not been reported in the literature in individuals affected with NPPA-related conditions. ClinVar contains an entry for this variant (Variation ID: 2046566). An algorithm developed to predict the effect of missense changes on protein structure and function (PolyPhen-2) suggests that this variant is likely to be disruptive. In summary, the available evidence is currently insufficient to determine the role of this variant in disease. Therefore, it has been classified as a Variant of Uncertain Significance.

NM_006172.4(NPPA):c.320G>C (p.Arg107Pro)

Genes: NPPA (natriuretic peptide A; minus strand), NPPA-AS1 (NPPA antisense RNA 1; plus strand), LOC114827827 (VISTA enhancer hs2123; plus strand). Cytogenetic location: 1p36.22.
Variant type: single nucleotide variant.
Coding change: c.320G>C on transcript NM_006172.4 (MANE Select); coding-DNA position 320, G replaced by C.
Protein change: p.Arg107Pro; replaces arginine 107 with proline.
Molecular consequence: missense variant.
Genome position (GRCh38, 1-based): chr1:11,847,243, C>G on the plus strand (G>C on the coding strand, the complement: NPPA is on the minus strand). VCF-style: chr1-11847243-C-G. GRCh37 (hg19) VCF-style: chr1-11907300-C-G.
Other names: short protein forms R107P.
Identifiers: ClinVar variation 2046566 (VCV002046566.4), dbSNP rs369737600, ClinGen allele CA597030.